The following is an entry in ClinVar:

ClinVar aggregate classification (germline): Uncertain significance (1 of 4 stars; one submission).

Conditions:
POLD1-related polyposis and colorectal cancer syndrome (CRCS10). Also called: Colorectal cancer 10; COLORECTAL CANCER, SUSCEPTIBILITY TO, ON CHROMOSOME 19q; Colorectal cancer, susceptibility to, 10. Identifiers: Orphanet 220460, MedGen C2675481, MONDO:0012953, OMIM 612591.

Submission:

Labcorp Genetics (formerly Invitae), Labcorp
Classification: Uncertain significance for POLD1-related polyposis and colorectal cancer syndrome. Last evaluated: 2022-02-02. Review status: criteria provided, single submitter. Criteria: Invitae Variant Classification Sherloc (09022015). Collection method: clinical testing. Allele origin: germline.
Comment: This sequence change creates a premature translational stop signal (p.Lys373Argfs*21) in the POLD1 gene. Missense variants that disrupt the 3'-5' exonuclease (proof-reading) activity of the POLD1 protein are associated with an increased risk for colonic adenomatous polyps and colon cancer (PMID: 23263490, 23447401). However, loss-of-function variants that result in an absent or severely disrupted POLD1 protein, and missense variants outside the exonuclease domain, are unlikely to be associated with polyposis or colon cancer. This variant is not present in population databases (gnomAD no frequency). This variant has not been reported in the literature in individuals affected with POLD1-related conditions. In summary, the available evidence is currently insufficient to determine the role of this variant in disease. Therefore, it has been classified as a Variant of Uncertain Significance.

Literature cited by the submitters: PubMed 23263490; PubMed 23447401.

NM_002691.4(POLD1):c.1116_1117dup (p.Lys373fs)

Gene: POLD1 (DNA polymerase delta 1, catalytic subunit; plus strand). Cytogenetic location: 19q13.33.
Variant type: Microsatellite.
Coding change: c.1116_1117dup on transcript NM_002691.4 (MANE Select); coding-DNA positions 1116 to 1117, 2 bases duplicated (GA; older notation c.1116_1117dupGA).
Protein change: p.Lys373fs; shifts the reading frame from lysine 373.
Molecular consequence: frameshift variant. On other transcripts: non-coding transcript variant (1).
Genome position (GRCh38, 1-based): chr19:50,403,198-50,403,199, GA duplicated; duplicating any 2 consecutive bases within chr19:50,403,196-50,403,199 gives the same sequence; the c. name uses the placement nearest the transcript's 3' end. VCF-style (leftmost placement, unchanged base first): chr19-50403195-C-CGA. GRCh37 (hg19) VCF-style: chr19-50906452-C-CGA.
Other names: c.1116_1117dup, p.Lys373fs (NM_001256849.1, NM_001308632.1); short protein forms K373fs.
Identifiers: ClinVar variation 2092034 (VCV002092034.4), dbSNP rs2513974035, ClinGen allele CA2580614947.